The following is an entry in ClinVar:

NM_001035.3(RYR2):c.3067-3C>T

Gene: RYR2 (ryanodine receptor 2; plus strand). Cytogenetic location: 1q43.
Variant type: single nucleotide variant.
Coding change: c.3067-3C>T on transcript NM_001035.3 (MANE Select); 3 bases into the intron before coding-DNA position 3067, C replaced by T.
Molecular consequence: intron variant.
Genome position (GRCh38, 1-based): chr1:237,550,541, C>T. VCF-style: chr1-237550541-C-T. GRCh37 (hg19) VCF-style: chr1-237713841-C-T.
Identifiers: ClinVar variation 4843935 (VCV004843935.1).

ClinVar aggregate classification (germline): Uncertain significance (1 of 4 stars; one submission).

Conditions:
Cardiovascular phenotype. Identifiers: MedGen CN230736.

Submission:

Ambry Genetics
Classification: Uncertain significance for Cardiovascular phenotype. Last evaluated: 2025-12-22. Review status: criteria provided, single submitter. Criteria: Ambry Variant Classification Scheme 2023. Collection method: clinical testing. Allele origin: germline.
Comment: The c.3067-3C>T intronic variant results from a C to T substitution 3 nucleotides upstream from coding exon 27 in the RYR2 gene. This nucleotide position is poorly conserved in available vertebrate species. In silico splice site analysis predicts that this alteration will not have any significant effect on splicing. Based on the available evidence, the clinical significance of this variant remains unclear.